The following is an entry in ClinVar:

ClinVar aggregate classification (germline): Likely pathogenic (1 of 4 stars; one submission).

Conditions:
Hereditary breast ovarian cancer syndrome. Also called: Hereditary breast and ovarian cancer; Breast and ovarian cancer; Hereditary breast and ovarian cancer syndrome (HBOC); Hereditary breast and ovarian cancer syndrome; BRCA1- and BRCA2-Associated Hereditary Breast and Ovarian Cancer; Hereditary breast and/or ovarian cancer syndrome. Identifiers: Orphanet 145, MedGen C0677776, MeSH D061325, MONDO:0003582. Disease mechanism: loss of function.

Submission:

Women's Health and Genetics/Laboratory Corporation of America, LabCorp
Classification: Likely pathogenic for Hereditary breast ovarian cancer syndrome. Last evaluated: 2021-09-01. Review status: criteria provided, single submitter. Criteria: LabCorp Variant Classification Summary - May 2015. Collection method: clinical testing. Allele origin: germline.
Comment: Variant summary: The variant identified by MLPA or other technology involves the duplication of exons 19-20 in the BRCA2 gene. A presumed nomenclature of c.(8331+1_8332-1)_(8632+1_8633-1)dup has been designated for the purposes of this classification. It has been assumed that this is a tandem duplication in direct orientation (Richardson_GIM_2018, Newman_AJHG_2015). Although the exact breakpoints of this duplication are not known, it is expected to result in a frameshift change in the BRCA2, a known mechanism of disease. The variant was absent in 21692 control chromosomes (gnomAD, Structural Variants dataset). Duplication of exons 19-20 has been reported in the literature in individuals affected with Hereditary Breast and Ovarian Cancer Syndrome (e.g. Walsh_2006, Caux-Moncoutier_2011, Rebbeck_2018). These data indicate that the variant is likely to be associated with disease. Two ClinVar submitters (evaluation after 2014) cite the variant as likely pathogenic/pathogenic. Based on the evidence outlined above, the variant was classified as likely pathogenic.

Literature cited by the submitters: PubMed 21120943; PubMed 16551709; PubMed 29446198.

NC_000013.10:g.(32937671_32944538)_(32945238_32950806)dup

Gene: BRCA2 (BRCA2 DNA repair associated; plus strand). Cytogenetic location: 13q13.1.
Variant type: Duplication.
Identifiers: ClinVar variation 1301393 (VCV001301393.1).